The following is an entry in ClinVar:

NM_003738.5(PTCH2):c.2583C>G (p.Thr861=)

Gene: PTCH2 (patched 2; minus strand). Cytogenetic location: 1p34.1.
Variant type: single nucleotide variant.
Coding change: c.2583C>G on transcript NM_003738.5 (MANE Select); coding-DNA position 2583, C replaced by G.
Protein change: p.Thr861=; no amino-acid change (threonine 861 retained).
Molecular consequence: synonymous variant.
Genome position (GRCh38, 1-based): chr1:44,827,014, G>C on the plus strand (C>G on the coding strand, the complement: PTCH2 is on the minus strand). VCF-style: chr1-44827014-G-C. GRCh37 (hg19) VCF-style: chr1-45292686-G-C.
Other names: c.2583C>G, p.Thr861= (NM_001166292.2).
Identifiers: ClinVar variation 4084581 (VCV004084581.8).
Genomic context (GRCh38, chr1:44,827,014, plus strand): 5'-TGGGGGGTAGAAGTTGGCCTGTGAGGCTGCCAGACCCAGGGGGTCACTGCTCACCCACAC[G>C]GTCAGCCCCATGTAGAAGAGCTCGGGTGGAATCAGTCCCTCTCTGTCCACCAGCTTCCTT-3'
Protein context (NP_003729.3, residues 851-871): IPPELFYMGL[Thr861=]VWVSSDPLGL

ClinVar aggregate classification (germline): Likely benign (1 of 4 stars; one submission).

gnomAD v4.1: 16 of 1,614,046 alleles (0.00099%); highest among the groups gnomAD compares: South Asian, 0.018%; no homozygotes.

Submission:

CeGaT Center for Human Genetics Tuebingen
Classification: Likely benign. Last evaluated: 2025-08-01. Review status: criteria provided, single submitter. Criteria: CeGaT Center For Human Genetics Tuebingen Variant Classification Criteria Version 2. Collection method: clinical testing. Allele origin: germline. Affected: yes. Observed: 1 variant allele.
Comment: PTCH2: BP4, BP7